The following is an entry in ClinVar:

ClinVar aggregate classification (germline): Uncertain significance (1 of 4 stars; one submission).

Conditions:
Inflammatory bowel disease 28. Also called: Inflammatory bowel disease 28, early onset, autosomal recessive. Identifiers: Orphanet 238569, MedGen C2751053, MONDO:0013153, OMIM 613148.

Allele frequency attached by ClinVar (database versions not stated): ExAC 0.00002; gnomAD exomes 0.00002 and 0.00004; gnomAD 0.00005; TOPMed 0.00005.

Submission:

Labcorp Genetics (formerly Invitae), Labcorp
Classification: Uncertain significance for Inflammatory bowel disease 28. Last evaluated: 2025-04-17. Review status: criteria provided, single submitter. Criteria: Invitae Variant Classification Sherloc (09022015). Collection method: clinical testing. Allele origin: germline.
Comment: This sequence change replaces glycine, which is neutral and non-polar, with serine, which is neutral and polar, at codon 315 of the IL10RA protein (p.Gly315Ser). This variant is present in population databases (rs371381563, gnomAD 0.008%). This variant has not been reported in the literature in individuals affected with IL10RA-related conditions. ClinVar contains an entry for this variant (Variation ID: 956534). Invitae Evidence Modeling of protein sequence and biophysical properties (such as structural, functional, and spatial information, amino acid conservation, physicochemical variation, residue mobility, and thermodynamic stability) indicates that this missense variant is not expected to disrupt IL10RA protein function with a negative predictive value of 80%. In summary, the available evidence is currently insufficient to determine the role of this variant in disease. Therefore, it has been classified as a Variant of Uncertain Significance.

NM_001558.4(IL10RA):c.943G>A (p.Gly315Ser)

Gene: IL10RA (interleukin 10 receptor subunit alpha; plus strand). Cytogenetic location: 11q23.3.
Variant type: single nucleotide variant.
Coding change: c.943G>A on transcript NM_001558.4 (MANE Select); coding-DNA position 943, G replaced by A.
Protein change: p.Gly315Ser; replaces glycine 315 with serine.
Molecular consequence: missense variant. On other transcripts: non-coding transcript variant (1).
Genome position (GRCh38, 1-based): chr11:117,998,847, G>A. VCF-style: chr11-117998847-G-A. GRCh37 (hg19) VCF-style: chr11-117869562-G-A.
Other names: short protein forms G315S.
Identifiers: ClinVar variation 956534 (VCV000956534.9), dbSNP rs371381563, ClinGen allele CA6299093.
Genomic context (GRCh38, chr11:117,998,847, plus strand): 5'-CCGCTTGATGAGGAGGCCTTTTTGAAGGTGTCCCCAGAGCTGAAGAACTTGGACCTGCAC[G>A]GCAGCACAGACAGTGGCTTTGGCAGCACCAAGCCATCCCTGCAGACTGAAGAGCCCCAGT-3'
Protein context (NP_001549.2, residues 305-325): SPELKNLDLH[Gly315Ser]STDSGFGSTK